The following is an entry in ClinVar:

ClinVar aggregate classification (germline): Benign (3 of 4 stars; one submission).

Conditions:
Breast-ovarian cancer, familial, susceptibility to, 1 (BROVCA1). Also called: BRCA1 Hereditary Breast and Ovarian Cancer; OVARIAN CANCER, SUSCEPTIBILITY TO. Identifiers: Orphanet 145, MedGen C2676676, MONDO:0011450, OMIM 604370. Disease mechanism: loss of function.

Allele frequency attached by ClinVar (database versions not stated): gnomAD 0.10551 and 0.11166; 1000 Genomes Project 0.11522; TOPMed 0.11854; 1000 Genomes Project 30x 0.12086.
gnomAD v4.1: 15,870 of 151,970 alleles (10%); highest among the groups gnomAD compares: African/African-American, 35%; 2,555 homozygotes.

Submission:

Evidence-based Network for the Interpretation of Germline Mutant Alleles (ENIGMA)
Classification: Benign for Breast-ovarian cancer, familial 1. Last evaluated: 2015-01-12. Review status: reviewed by expert panel. Criteria: ENIGMA BRCA1/2 Classification Criteria (2015). Collection method: curation. Allele origin: germline.
Comment: Class 1 not pathogenic based on frequency >1% in an outbred sampleset. Frequency 0.3801 (African), derived from 1000 genomes (2012-04-30).

NM_007294.4(BRCA1):c.5193+2588C>T

Gene: BRCA1 (BRCA1 DNA repair associated; minus strand). Cytogenetic location: 17q21.31.
Variant type: single nucleotide variant.
Coding change: c.5193+2588C>T on transcript NM_007294.4 (MANE Select); 2588 bases into the intron after coding-DNA position 5193, C replaced by T.
Molecular consequence: intron variant.
Genome position (GRCh38, 1-based): chr17:43,060,745, G>A on the plus strand (C>T on the coding strand, the complement: BRCA1 is on the minus strand). VCF-style: chr17-43060745-G-A. GRCh37 (hg19) VCF-style: chr17-41212762-G-A.
Other names: IVS 19+2588C>T; c.5046+2588C>T (NM_001407844.1, NM_001407851.1, NM_001407849.1 and 12 more transcripts); c.5049+2588C>T (NM_001407743.1, NM_001407735.1, NM_001407744.1 and 21 more transcripts); c.4923+2588C>T (NM_001407935.1, NM_001407936.1, NM_001407934.1); c.4929+2588C>T (NM_001407926.1, NM_001407924.1, NM_001407920.1 and 4 more transcripts); c.5052+2588C>T (NM_001407729.1, NM_001407698.1, NM_001407942.1 and 13 more transcripts); c.4980+2588C>T (NM_001407899.1, NM_001407895.1, NM_001407910.1 and 12 more transcripts); c.1554+2588C>T (NM_001408507.1); and 73 more.
Identifiers: ClinVar variation 209307 (VCV000209307.2), dbSNP rs111581719, ClinGen allele CA276279.